The following is an entry in ClinVar:

ClinVar aggregate classification (germline): Benign. Review status: criteria provided, multiple submitters, no conflicts (2 of 4 stars). 5 submissions from 4 submitters: Benign (5). Last evaluated 2021-07-01.

Conditions:
Usher syndrome type 1D (USH1D). Also called: USHER SYNDROME, TYPE ID. Identifiers: Orphanet 231169, Orphanet 886, MedGen C1832845, MONDO:0010984, OMIM 601067.
Autosomal recessive nonsyndromic hearing loss 12. Also called: DEAFNESS, AUTOSOMAL RECESSIVE 12. Identifiers: Orphanet 90636, MedGen C1832394, MONDO:0011067, OMIM 601386.

Allele frequency attached by ClinVar (database versions not stated): ESP Exome Variant Server 0.05850; gnomAD 0.07941 and 0.08370; gnomAD exomes 0.08565 and 0.12333; TOPMed 0.09122; ExAC 0.11327; 1000 Genomes Project 30x 0.13601; 1000 Genomes Project 0.13798.
gnomAD v4.1: 138,364 of 1,613,664 alleles (8.6%); highest among the groups gnomAD compares: East Asian, 31%; 8,777 homozygotes.

Submissions (5):

Genome-Nilou Lab
Classification: Benign for Usher syndrome type 1D. Last evaluated: 2021-07-01. Review status: criteria provided, single submitter. Criteria: ACMG Guidelines, 2015. Collection method: clinical testing. Allele origin: germline. Affected: no.

Genome-Nilou Lab
Classification: Benign for Autosomal recessive nonsyndromic hearing loss 12. Last evaluated: 2021-07-01. Review status: criteria provided, single submitter. Criteria: ACMG Guidelines, 2015. Collection method: clinical testing. Allele origin: germline. Affected: no.

GeneDx
Classification: Benign. Last evaluated: 2018-06-13. Review status: criteria provided, single submitter. Criteria: GeneDx Variant Classification (06012015). Collection method: clinical testing. Allele origin: germline. Affected: yes.
Comment: This variant is considered likely benign or benign based on one or more of the following criteria: it is a conservative change, it occurs at a poorly conserved position in the protein, it is predicted to be benign by multiple in silico algorithms, and/or has population frequency not consistent with disease.

Breakthrough Genomics
Classification: Benign. Review status: criteria provided, single submitter. Criteria: ACMG Guidelines, 2015. Collection method: not provided. Allele origin: germline. Inheritance: Autosomal recessive inheritance. Affected: yes.

PreventionGenetics, part of Exact Sciences
Classification: Benign. Review status: criteria provided, single submitter. Criteria: ACMG Guidelines, 2015. Collection method: clinical testing. Allele origin: germline.

NM_022124.6(CDH23):c.7225-22C>T

Gene: CDH23 (cadherin related 23; plus strand). Cytogenetic location: 10q22.1.
Variant type: single nucleotide variant.
Coding change: c.7225-22C>T on transcript NM_022124.6 (MANE Select); 22 bases into the intron before coding-DNA position 7225, C replaced by T.
Molecular consequence: intron variant.
Genome position (GRCh38, 1-based): chr10:71,799,470, C>T. VCF-style: chr10-71799470-C-T. GRCh37 (hg19) VCF-style: chr10-73559227-C-T.
Other names: c.505-22C>T (NM_001171933.1, NM_001171934.1).
Identifiers: ClinVar variation 261554 (VCV000261554.6), dbSNP rs3802708, ClinGen allele CA5546295.
Genomic context (GRCh38, chr10:71,799,470, plus strand): 5'-CTGCATCAGTGAGTTCTAGGGCTGTGCTCGGGCTCTGGGACTGACCTTGGCCTACTCTCT[C>T]TCCCTGCCCCCTGGGCTCCAGGAGGCTGTCTTTGAGGATGTGCCTGTGGGCACAATCATC-3'